The following is an entry in ClinVar:

NM_000046.5(ARSB):c.928A>G (p.Asn310Asp)

Gene: ARSB (arylsulfatase B; minus strand). Cytogenetic location: 5q14.1.
Variant type: single nucleotide variant.
Coding change: c.928A>G on transcript NM_000046.5 (MANE Select); coding-DNA position 928, A replaced by G.
Protein change: p.Asn310Asp; replaces asparagine 310 with aspartic acid.
Molecular consequence: missense variant.
Genome position (GRCh38, 1-based): chr5:78,885,798, T>C on the plus strand (A>G on the coding strand, the complement: ARSB is on the minus strand). VCF-style: chr5-78885798-T-C. GRCh37 (hg19) VCF-style: chr5-78181621-T-C.
Other names: c.928A>G, p.Asn310Asp (NM_198709.3); short protein forms N310D.
Identifiers: ClinVar variation 547955 (VCV000547955.9), dbSNP rs1402584432, ClinGen allele CA360343458.

ClinVar aggregate classification (germline): Conflicting classifications of pathogenicity. Review status: criteria provided, conflicting classifications (1 of 4 stars). 3 submissions from 3 submitters: Likely pathogenic (1); Uncertain significance (2). Last evaluated 2024-09-23.

Conditions:
Mucopolysaccharidosis type 6 (MPS6). Also called: MPS 6; Maroteaux Lamy syndrome; N-ACETYLGALACTOSAMINE-4-SULFATASE DEFICIENCY; MPS VI; ARSB DEFICIENCY; ARYLSULFATASE B DEFICIENCY. Identifiers: Orphanet 583, MedGen C0026709, MONDO:0009661, OMIM 253200.

Allele frequency attached by ClinVar (database versions not stated): gnomAD exomes below 0.00001 and 0.00001.

Submissions (3):

Labcorp Genetics (formerly Invitae), Labcorp
Classification: Likely pathogenic for Mucopolysaccharidosis type 6. Last evaluated: 2024-09-23. Review status: criteria provided, single submitter. Criteria: Invitae Variant Classification Sherloc (09022015). Collection method: clinical testing. Allele origin: germline.
Comment: This sequence change replaces asparagine, which is neutral and polar, with aspartic acid, which is acidic and polar, at codon 310 of the ARSB protein (p.Asn310Asp). This variant is present in population databases (no rsID available, gnomAD 0.007%). This missense change has been observed in individual(s) with ARSB-related conditions (PMID: 28831385). ClinVar contains an entry for this variant (Variation ID: 547955). Invitae Evidence Modeling of protein sequence and biophysical properties (such as structural, functional, and spatial information, amino acid conservation, physicochemical variation, residue mobility, and thermodynamic stability) indicates that this missense variant is expected to disrupt ARSB protein function with a positive predictive value of 95%. In summary, the currently available evidence indicates that the variant is pathogenic, but additional data are needed to prove that conclusively. Therefore, this variant has been classified as Likely Pathogenic.

Fulgent Genetics
Classification: Uncertain significance for Mucopolysaccharidosis type 6. Last evaluated: 2021-08-01. Review status: criteria provided, single submitter. Criteria: ACMG Guidelines, 2015. Collection method: clinical testing. Allele origin: unknown.

Mayo Clinic Laboratories, Mayo Clinic
Classification: Uncertain significance for Mucopolysaccharidosis type 6. Last evaluated: 2017-04-12. Review status: criteria provided, single submitter. Criteria: ACMG Guidelines, 2015. Collection method: clinical testing. Allele origin: paternal.

Literature cited by the submitters: PubMed 28831385 (cited by Labcorp Genetics (formerly Invitae), Labcorp).